The following is an entry in ClinVar:

NM_015346.4(ZFYVE26):c.4122G>A (p.Trp1374Ter)

Gene: ZFYVE26 (zinc finger FYVE-type containing 26; minus strand). Cytogenetic location: 14q24.1.
Variant type: single nucleotide variant.
Coding change: c.4122G>A on transcript NM_015346.4 (MANE Select); coding-DNA position 4122, G replaced by A.
Protein change: p.Trp1374Ter; replaces tryptophan 1374 with a stop codon.
Molecular consequence: nonsense.
Genome position (GRCh38, 1-based): chr14:67,783,030, C>T on the plus strand (G>A on the coding strand, the complement: ZFYVE26 is on the minus strand). VCF-style: chr14-67783030-C-T. GRCh37 (hg19) VCF-style: chr14-68249747-C-T.
Other names: short protein forms W1374*.
Identifiers: ClinVar variation 1725971 (VCV001725971.2), dbSNP rs2502805771, ClinGen allele CA390170800.

ClinVar aggregate classification (germline): Likely pathogenic (1 of 4 stars; one submission).

Conditions:
Hereditary spastic paraplegia 15 (SPG15). Also called: SPASTIC PARAPLEGIA 15, AUTOSOMAL RECESSIVE; KJELLIN SYNDROME; SPASTIC PARAPLEGIA AND RETINAL DEGENERATION. Identifiers: Orphanet 100996, MedGen C1849128, MONDO:0010044, OMIM 270700.

Submission:

Myriad Genetics, Inc.
Classification: Likely pathogenic for Hereditary spastic paraplegia 15. Last evaluated: 2022-04-28. Review status: criteria provided, single submitter. Criteria: Myriad Women's Health Autosomal Recessive and X-Linked Classification Criteria (2021). Collection method: clinical testing. Allele origin: unknown.
Comment: NM_015346.3(ZFYVE26):c.4122G>A(W1374*) is expected to be pathogenic in the context of spastic paraplegia type 15. This variant is predicted to lead to an abnormal or absent protein product due to the creation of a premature termination codon in ZFYVE26, a gene where loss-of-function variants are known to be pathogenic. Please note: this variant was assessed in the context of healthy population screening.